The following is an entry in ClinVar:

ClinVar aggregate classification (germline): Pathogenic (1 of 4 stars; one submission).

Conditions:
Galactosylceramide beta-galactosidase deficiency. Also called: GALACTOCEREBROSIDASE DEFICIENCY; GALC DEFICIENCY; GLOBOID CELL LEUKOENCEPHALOPATHY; Leukodystrophy, Globoid Cell; Krabbe Disease. Identifiers: Orphanet 487, MedGen C0023521, MONDO:0009499, OMIM 245200.

Submission:

Myriad Genetics, Inc.
Classification: Pathogenic for Galactosylceramide beta-galactosidase deficiency. Last evaluated: 2024-09-25. Review status: criteria provided, single submitter. Criteria: Myriad Autosomal Dominant, Autosomal Recessive and X-Linked Classification Criteria (2023). Collection method: clinical testing. Allele origin: unknown.
Comment: NM_000153.3(GALC):c.886dupT(Y296Lfs*17) is expected to be pathogenic in the context of Krabbe disease. This variant is predicted to lead to an abnormal or absent protein product due to the creation of a premature termination codon in GALC, a gene where loss-of-function variants are known to be pathogenic. Please note: this variant was assessed in the context of healthy population screening.

NM_000153.4(GALC):c.886dup (p.Tyr296fs)

Gene: GALC (galactosylceramidase; minus strand). Cytogenetic location: 14q31.3.
Variant type: Duplication.
Coding change: c.886dup on transcript NM_000153.4 (MANE Select); coding-DNA position 886, one base duplicated (T; older notation c.886dupT).
Protein change: p.Tyr296fs; shifts the reading frame from tyrosine 296.
Molecular consequence: frameshift variant. On other transcripts: non-coding transcript variant (1).
Genome position (GRCh38, 1-based): chr14:87,968,357, A duplicated on the plus strand (T on the coding strand, the reverse complement: GALC is on the minus strand); the first of 2 consecutive A bases (chr14:87,968,357-87,968,358); duplicating either gives the same sequence. VCF-style (leftmost placement, unchanged base first): chr14-87968356-T-TA. GRCh37 (hg19) VCF-style: chr14-88434700-T-TA.
Other names: c.817dup, p.Tyr273fs (NM_001201401.2); c.808dup, p.Tyr270fs (NM_001201402.2); c.718dup, p.Tyr240fs (NM_001424071.1, NM_001424072.1, NM_001424073.1); c.538dup, p.Tyr180fs (NM_001424074.1, NM_001424075.1); c.253dup, p.Tyr85fs (NM_001424076.1, NM_001424077.1); short protein forms Y180fs, Y240fs, Y270fs, Y273fs, Y296fs, Y85fs.
Identifiers: ClinVar variation 5013580 (VCV005013580.1).